The following is an entry in ClinVar:

NM_001281971.2(KIR2DS4):c.261T>C (p.Ile87=)

Gene: KIR2DS4 (killer cell immunoglobulin like receptor, two Ig domains and short cytoplasmic tail 4 (gene/pseudogene)). Cytogenetic location: 19q13.42.
Variant type: single nucleotide variant.
Coding change: c.261T>C on transcript NM_001281971.2; coding-DNA position 261, T replaced by C.
Protein change: p.Ile87=; no amino-acid change (isoleucine 87 retained).
Molecular consequence: synonymous variant.
Genome position (GRCh38, 1-based): chr19:54,837,766, T>C. VCF-style: chr19-54837766-T-C. GRCh37 (hg19) VCF-style: chr19-55349221-T-C.
Other names: c.261T>C, p.Ile87= (NM_001281972.2).
Identifiers: ClinVar variation 2650487 (VCV002650487.23), dbSNP rs1130485, ClinGen allele CA309929876.
Genomic context (GRCh38, chr19:54,837,766, plus strand): 5'-CAACACTTTGCACCTCATTGGAGAGCACCATGATGGGGTTTCCAAGGCCAACTTCTCCAT[T>C]GGTCCCATGATGCCTGTCCTTGCAGGAACCTACAGATGCTACGGTTCTGTTCCTCACTCC-3'

ClinVar aggregate classification (germline): Likely benign (1 of 4 stars; one submission).

Allele frequency attached by ClinVar (database versions not stated): 1000 Genomes Project 30x 0.02592; ExAC 0.00006.

Submission:

CeGaT Center for Human Genetics Tuebingen
Classification: Likely benign. Last evaluated: 2026-03-01. Review status: criteria provided, single submitter. Criteria: CeGaT Center For Human Genetics Tuebingen Variant Classification Criteria Version 2. Collection method: clinical testing. Allele origin: germline. Affected: yes. Observed: 3 variant alleles.
Comment: KIR2DS4: BP4, BP7